The following is an entry in ClinVar:

ClinVar aggregate classification (germline): Uncertain significance (1 of 4 stars; one submission).

Conditions:
Ataxia-telangiectasia syndrome (AT). Also called: Cerebello-oculocutaneous telangiectasia; Immunodeficiency with ataxia telangiectasia; Ataxia-telangiectasia, complementation group D; Ataxia telangiectasia (A-T); ATAXIA-TELANGIECTASIA, COMPLEMENTATION GROUP A; ATAXIA-TELANGIECTASIA, FRESNO VARIANT. Identifiers: Orphanet 100, MedGen C0004135, MONDO:0008840, OMIM 208900.

Submission:

Labcorp Genetics (formerly Invitae), Labcorp
Classification: Uncertain significance for Ataxia-telangiectasia syndrome. Last evaluated: 2022-04-28. Review status: criteria provided, single submitter. Criteria: Invitae Variant Classification Sherloc (09022015). Collection method: clinical testing. Allele origin: germline.
Comment: This sequence change replaces lysine, which is basic and polar, with isoleucine, which is neutral and non-polar, at codon 820 of the ATM protein (p.Lys820Ile). This variant is not present in population databases (gnomAD no frequency). This variant has not been reported in the literature in individuals affected with ATM-related conditions. Advanced modeling of protein sequence and biophysical properties (such as structural, functional, and spatial information, amino acid conservation, physicochemical variation, residue mobility, and thermodynamic stability) performed at Invitae indicates that this missense variant is not expected to disrupt ATM protein function. In summary, the available evidence is currently insufficient to determine the role of this variant in disease. Therefore, it has been classified as a Variant of Uncertain Significance.

NM_000051.4(ATM):c.2459A>T (p.Lys820Ile)

Gene: ATM (ATM serine/threonine kinase; plus strand). Cytogenetic location: 11q22.3.
Variant type: single nucleotide variant.
Coding change: c.2459A>T on transcript NM_000051.4 (MANE Select); coding-DNA position 2459, A replaced by T.
Protein change: p.Lys820Ile; replaces lysine 820 with isoleucine.
Molecular consequence: missense variant.
Genome position (GRCh38, 1-based): chr11:108,259,068, A>T. VCF-style: chr11-108259068-A-T. GRCh37 (hg19) VCF-style: chr11-108129795-A-T.
Other names: c.2459A>T, p.Lys820Ile (NM_001351834.2); short protein forms K820I.
Identifiers: ClinVar variation 2131422 (VCV002131422.4), dbSNP rs952566855, ClinGen allele CA382541390.
Genomic context (GRCh38, chr11:108,259,068, plus strand): 5'-CTGGCTTTTTCCTGCGATTGTTAACATCAAAGCTAATGAATGACATTGCAGATATTTGTA[A>T]AAGTTTAGTAAGTATGCTTCCTGTTTTGCTATCATATTTTGATTCTAATAGGCATAATTT-3'
Protein context (NP_000042.3, residues 810-830): KLMNDIADIC[Lys820Ile]SLASFIKKPF